The following is an entry in ClinVar:

ClinVar aggregate classification (germline): Benign/Likely benign. Review status: criteria provided, multiple submitters, no conflicts (2 of 4 stars). 16 submissions from 16 submitters: Benign (4); Likely benign (7). 5 of the submissions do not count toward it. Last evaluated 2026-08-01.

Conditions:
Cohen syndrome (COH1). Also called: Cutis verticis gyrata, retinitis pigmentosa, and sensorineural deafness; PEPPER SYNDROME. Identifiers: Orphanet 193, MedGen C0265223, MONDO:0008999, OMIM 216550.
VPS13B-related disorder. Also called: VPS13B-related condition.
Inborn genetic diseases. Identifiers: MedGen C0950123, MeSH D030342.

Allele frequency attached by ClinVar (database versions not stated): ESP Exome Variant Server 0.00131; gnomAD 0.00144 and 0.00165; 1000 Genomes Project 30x 0.00172; TOPMed 0.00181; gnomAD exomes 0.00190 and 0.00258; 1000 Genomes Project 0.00200; ExAC 0.00260.
gnomAD v4.1: 3,056 of 1,613,226 alleles (0.19%); highest among the groups gnomAD compares: South Asian, 0.59%; 15 homozygotes.

Submissions (16):

CeGaT Center for Human Genetics Tuebingen
Classification: Likely benign. Last evaluated: 2026-08-01. Review status: criteria provided, single submitter. Criteria: CeGaT Center For Human Genetics Tuebingen Variant Classification Criteria Version 2. Collection method: clinical testing. Allele origin: germline. Affected: yes. Observed: 20 variant alleles.
Comment: VPS13B: BP4, BP7

Women's Health and Genetics/Laboratory Corporation of America, LabCorp
Classification: Benign. Last evaluated: 2026-03-31. Review status: criteria provided, single submitter. Criteria: LabCorp Variant Classification Summary - May 2015. Collection method: clinical testing. Allele origin: germline.

Labcorp Genetics (formerly Invitae), Labcorp
Classification: Benign for Cohen syndrome. Last evaluated: 2026-02-04. Review status: criteria provided, single submitter. Criteria: Invitae Variant Classification Sherloc (09022015). Collection method: clinical testing. Allele origin: germline.

Genome-Nilou Lab
Classification: Likely benign for Cohen syndrome. Last evaluated: 2021-05-18. Review status: criteria provided, single submitter. Criteria: ACMG Guidelines, 2015. Collection method: clinical testing. Allele origin: germline. Affected: no.

Eurofins Ntd Llc (ga)
Classification: Benign. Last evaluated: 2018-09-04. Review status: criteria provided, single submitter. Criteria: EGL ClinVar v180209 classification definitions. Collection method: clinical testing. Allele origin: germline. Observed: 1 variant allele, 1 heterozygote.

GeneDx
Classification: Likely benign. Last evaluated: 2018-05-14. Review status: criteria provided, single submitter. Criteria: GeneDx Variant Classification (06012015). Collection method: clinical testing. Allele origin: germline. Affected: yes.
Comment: This variant is considered likely benign or benign based on one or more of the following criteria: it is a conservative change, it occurs at a poorly conserved position in the protein, it is predicted to be benign by multiple in silico algorithms, and/or has population frequency not consistent with disease.

Athena Diagnostics
Classification: Benign. Last evaluated: 2018-04-16. Review status: criteria provided, single submitter. Criteria: Athena Diagnostics Criteria. Collection method: clinical testing. Allele origin: germline.

Illumina Laboratory Services, Illumina
Classification: Likely benign for Cohen syndrome. Last evaluated: 2018-01-13. Review status: criteria provided, single submitter. Criteria: ICSL Variant Classification Criteria 13 December 2019. Collection method: clinical testing. Allele origin: germline.
Comment: This variant was observed in the ICSL laboratory as part of a predisposition screen in an ostensibly healthy population. It had not been previously curated by ICSL or reported in the Human Gene Mutation Database (HGMD: prior to June 1st, 2018), and was therefore a candidate for classification through an automated scoring system. Utilizing variant allele frequency, disease prevalence and penetrance estimates, and inheritance mode, an automated score was calculated to assess if this variant is too frequent to cause the disease. Based on the score and internal cut-off values, a variant classified as likely benign is not then subjected to further curation. The score for this variant resulted in a classification of likely benign for this disease.

Genetic Services Laboratory, University of Chicago
Classification: Likely benign. Last evaluated: 2016-12-30. Review status: criteria provided, single submitter. Criteria: ACMG Guidelines, 2015. Collection method: clinical testing. Allele origin: germline. Affected: no.

Ambry Genetics
Classification: Likely benign for Inborn genetic diseases. Last evaluated: 2016-08-17. Review status: criteria provided, single submitter. Criteria: Ambry Variant Classification Scheme 2023. Collection method: clinical testing. Allele origin: germline.

Breakthrough Genomics
Classification: Likely benign. Review status: criteria provided, single submitter. Criteria: ACMG Guidelines, 2015. Collection method: not provided. Allele origin: germline. Inheritance: Autosomal recessive inheritance. Affected: yes.

Natera, Inc.
Classification: Benign for Cohen syndrome. Last evaluated: 2019-10-22. Review status: no assertion criteria provided. Collection method: clinical testing. Allele origin: germline. Not counted in ClinVar's aggregate classification.

PreventionGenetics, part of Exact Sciences
Classification: Benign for VPS13B-related condition. Last evaluated: 2019-09-18. Review status: no assertion criteria provided. Collection method: clinical testing. Allele origin: germline. Not counted in ClinVar's aggregate classification.
Comment: This variant is classified as benign based on ACMG/AMP sequence variant interpretation guidelines (Richards et al. 2015 PMID: 25741868, with internal and published modifications).

Clinical Genetics DNA and cytogenetics Diagnostics Lab, Erasmus MC, Erasmus Medical Center
Classification: Likely benign. Review status: no assertion criteria provided. Collection method: clinical testing. Allele origin: germline. Affected: yes. Study: VKGL Data-share Consensus. Not counted in ClinVar's aggregate classification.

Clinical Genetics, Academic Medical Center
Classification: Likely benign. Review status: no assertion criteria provided. Collection method: clinical testing. Allele origin: germline. Affected: yes. Study: VKGL Data-share Consensus. Not counted in ClinVar's aggregate classification.

Genome Diagnostics Laboratory, University Medical Center Utrecht
Classification: Benign. Review status: no assertion criteria provided. Collection method: clinical testing. Allele origin: germline. Affected: yes. Study: VKGL Data-share Consensus. Not counted in ClinVar's aggregate classification.

NM_152564.5(VPS13B):c.2760A>G (p.Leu920=)

Gene: VPS13B (vacuolar protein sorting 13 homolog B; plus strand). Cytogenetic location: 8q22.2.
Variant type: single nucleotide variant.
Coding change: c.2760A>G on transcript NM_152564.5 (MANE Select); coding-DNA position 2760, A replaced by G.
Protein change: p.Leu920=; no amino-acid change (leucine 920 retained).
Molecular consequence: synonymous variant.
Genome position (GRCh38, 1-based): chr8:99,275,190, A>G. VCF-style: chr8-99275190-A-G. GRCh37 (hg19) VCF-style: chr8-100287418-A-G.
Other names: c.2760A>G, p.Leu920= (NM_017890.5); c.2760A>G (NM_152564.4).
Identifiers: ClinVar variation 361049 (VCV000361049.69), dbSNP rs138661755, ClinGen allele CA4823014.